The following is an entry in ClinVar:

NM_002185.5(IL7R):c.53T>C (p.Val18Ala)

Gene: IL7R (interleukin 7 receptor; plus strand). Cytogenetic location: 5p13.2.
Variant type: single nucleotide variant.
Coding change: c.53T>C on transcript NM_002185.5 (MANE Select); coding-DNA position 53, T replaced by C.
Protein change: p.Val18Ala; replaces valine 18 with alanine.
Molecular consequence: missense variant. On other transcripts: non-coding transcript variant (1).
Genome position (GRCh38, 1-based): chr5:35,857,030, T>C. VCF-style: chr5-35857030-T-C. GRCh37 (hg19) VCF-style: chr5-35857132-T-C.
Other names: short protein forms V18A.
Identifiers: ClinVar variation 1442822 (VCV001442822.6), dbSNP rs1472882776, ClinGen allele CA359425974.
Genomic context (GRCh38, chr5:35,857,030, plus strand): 5'-CTCTCAGAATGACAATTCTAGGTACAACTTTTGGCATGGTTTTTTCTTTACTTCAAGTCG[T>C]TTCTGGAGAAAGTGGCTATGCTCAAAATGGTGAGTCATTTCTAAGTTTTCTTATGGATTT-3'
Protein context (NP_002176.2, residues 8-28): FGMVFSLLQV[Val18Ala]SGESGYAQNG

ClinVar aggregate classification (germline): Uncertain significance (1 of 4 stars; one submission).

Conditions:
Immunodeficiency 104. Also called: SCID, AUTOSOMAL RECESSIVE, T CELL-NEGATIVE, B CELL-POSITIVE, NK CELL-POSITIVE; IMMUNODEFICIENCY 104, SEVERE COMBINED; Severe Combined Immune Deficiency, Autosomal Recessive, TCell -Negative, B Cell-Positive, NK Cell-Positive, IL7R-Related; Severe combined immunodeficiency, autosomal recessive, T cell-negative, B cell-positive, NK cell-positive. Identifiers: MedGen C5676890, MONDO:0012163, OMIM 608971.

Allele frequency attached by ClinVar (database versions not stated): gnomAD 0.00001; TOPMed 0.00001.

Submission:

Labcorp Genetics (formerly Invitae), Labcorp
Classification: Uncertain significance for Immunodeficiency 104. Last evaluated: 2021-11-23. Review status: criteria provided, single submitter. Criteria: Invitae Variant Classification Sherloc (09022015). Collection method: clinical testing. Allele origin: germline.
Comment: This sequence change replaces valine, which is neutral and non-polar, with alanine, which is neutral and non-polar, at codon 18 of the IL7R protein (p.Val18Ala). This variant is present in population databases (no rsID available, gnomAD 0.01%). In summary, the available evidence is currently insufficient to determine the role of this variant in disease. Therefore, it has been classified as a Variant of Uncertain Significance. Algorithms developed to predict the effect of missense changes on protein structure and function output the following: SIFT: "Tolerated"; PolyPhen-2: "Benign"; Align-GVGD: "Class C0". The alanine amino acid residue is found in multiple mammalian species, which suggests that this missense change does not adversely affect protein function. This variant has not been reported in the literature in individuals affected with IL7R-related conditions.